The following is an entry in ClinVar:

NM_152564.5(VPS13B):c.1141C>T (p.Gln381Ter)

Gene: VPS13B (vacuolar protein sorting 13 homolog B; plus strand). Cytogenetic location: 8q22.2.
Variant type: single nucleotide variant.
Coding change: c.1141C>T on transcript NM_152564.5 (MANE Select); coding-DNA position 1141, C replaced by T.
Protein change: p.Gln381Ter; replaces glutamine 381 with a stop codon.
Molecular consequence: nonsense. On other transcripts: non-coding transcript variant (1).
Genome position (GRCh38, 1-based): chr8:99,121,380, C>T. VCF-style: chr8-99121380-C-T. GRCh37 (hg19) VCF-style: chr8-100133608-C-T.
Other names: c.1141C>T (NM_017890.4); c.1141C>T, p.Gln381Ter (NM_015243.3, NM_017890.5, NM_181661.3); short protein forms Q381*.
Identifiers: ClinVar variation 1372470 (VCV001372470.7), dbSNP rs774376104, ClinGen allele CA4822551.
Genomic context (GRCh38, chr8:99,121,380, plus strand): 5'-GATGGCGAGGAAGACTTTGTTGGGAACGATCCTGCATCAACCATGCATCAACAAAAAGCA[C>T]AGACTTTGAAGGATCCTATTGTTTCTATAGGATTTTATTGCACAAAGGCAACGGTGACTT-3'

ClinVar aggregate classification (germline): Pathogenic/Likely pathogenic. Review status: criteria provided, multiple submitters, no conflicts (2 of 4 stars). 2 submissions from 2 submitters: Pathogenic (1); Likely pathogenic (1). Last evaluated 2024-10-30.

Conditions:
Cohen syndrome (COH1). Also called: PEPPER SYNDROME; Cutis verticis gyrata, retinitis pigmentosa, and sensorineural deafness. Identifiers: Orphanet 193, MedGen C0265223, MONDO:0008999, OMIM 216550.

Allele frequency attached by ClinVar (database versions not stated): TOPMed below 0.00001; ExAC 0.00001; gnomAD exomes 0.00001.
gnomAD v4.1: 19 of 1,614,182 alleles (0.0012%); highest among the groups gnomAD compares: Non-Finnish European, 0.0016%; no homozygotes.

Submissions (2):

Natera, Inc.
Classification: Likely pathogenic for Cohen syndrome. Last evaluated: 2024-10-30. Review status: criteria provided, single submitter. Criteria: Natera Variant Classification Schema (03/2026). Collection method: clinical testing. Allele origin: germline.
Comment: The c.1141C>T variant in VPS13B is a nonsense variant predicted to introduce a stop codon at amino acid 381. This variant is expected to result in nonsense mediated decay, truncation, or a dysfunctional protein product. This variant is rare in the general population with a frequency below the threshold expected for the associated phenotype(s). Given the available evidence, this variant is classified as Likely Pathogenic.

Labcorp Genetics (formerly Invitae), Labcorp
Classification: Pathogenic for Cohen syndrome. Last evaluated: 2023-11-15. Review status: criteria provided, single submitter. Criteria: Invitae Variant Classification Sherloc (09022015). Collection method: clinical testing. Allele origin: germline.
Comment: This sequence change creates a premature translational stop signal (p.Gln381*) in the VPS13B gene. It is expected to result in an absent or disrupted protein product. Loss-of-function variants in VPS13B are known to be pathogenic (PMID: 15141358, 16648375, 20461111). This variant is present in population databases (rs774376104, gnomAD 0.002%). This variant has not been reported in the literature in individuals affected with VPS13B-related conditions. ClinVar contains an entry for this variant (Variation ID: 1372470). For these reasons, this variant has been classified as Pathogenic.

Literature cited by the submitters: PubMed 15141358 (cited by Labcorp Genetics (formerly Invitae), Labcorp); PubMed 16648375 (cited by Labcorp Genetics (formerly Invitae), Labcorp); PubMed 20461111 (cited by Labcorp Genetics (formerly Invitae), Labcorp).